The following is an entry in ClinVar:

NM_001365951.3(KIF1B):c.4225T>C (p.Tyr1409His)

Gene: KIF1B (kinesin family member 1B; plus strand). Cytogenetic location: 1p36.22.
Variant type: single nucleotide variant.
Coding change: c.4225T>C on transcript NM_001365951.3 (MANE Select); coding-DNA position 4225, T replaced by C.
Protein change: p.Tyr1409His; replaces tyrosine 1409 with histidine.
Molecular consequence: missense variant.
Genome position (GRCh38, 1-based): chr1:10,361,746, T>C. VCF-style: chr1-10361746-T-C. GRCh37 (hg19) VCF-style: chr1-10421804-T-C.
Other names: c.4225T>C, p.Tyr1409His (NM_001365952.1); c.4087T>C, p.Tyr1363His (NM_015074.3); short protein forms Y1363H, Y1409H.
Identifiers: ClinVar variation 3000374 (VCV003000374.3), dbSNP rs1432989711, ClinGen allele CA338317443.

ClinVar aggregate classification (germline): Uncertain significance (1 of 4 stars; one submission).

Conditions:
Charcot-Marie-Tooth disease type 2. Also called: Charcot-Marie-Tooth type 2. Identifiers: Orphanet 64746, MedGen C0270914, MONDO:0018993.

Allele frequency attached by ClinVar (database versions not stated): TOPMed 0.00002.

Submission:

Labcorp Genetics (formerly Invitae), Labcorp
Classification: Uncertain significance for Charcot-Marie-Tooth disease type 2. Last evaluated: 2023-08-27. Review status: criteria provided, single submitter. Criteria: Invitae Variant Classification Sherloc (09022015). Collection method: clinical testing. Allele origin: germline.
Comment: This sequence change replaces tyrosine, which is neutral and polar, with histidine, which is basic and polar, at codon 1363 of the KIF1B protein (p.Tyr1363His). This variant is not present in population databases (gnomAD no frequency). This variant has not been reported in the literature in individuals affected with KIF1B-related conditions. An algorithm developed to predict the effect of missense changes on protein structure and function (PolyPhen-2) suggests that this variant is likely to be disruptive. In summary, the available evidence is currently insufficient to determine the role of this variant in disease. Therefore, it has been classified as a Variant of Uncertain Significance.